The following is an entry in ClinVar:

ClinVar aggregate classification (germline): Uncertain significance (1 of 4 stars; one submission).

Conditions:
Hereditary cancer-predisposing syndrome. Also called: Neoplastic Syndromes, Hereditary; Hereditary Cancer Syndrome; Hereditary neoplastic syndrome; Tumor predisposition. Identifiers: Orphanet 140162, MedGen C0027672, MeSH D009386, MONDO:0015356.

Submission:

Ambry Genetics
Classification: Uncertain significance for Hereditary cancer-predisposing syndrome. Last evaluated: 2023-05-23. Review status: criteria provided, single submitter. Criteria: Ambry Variant Classification Scheme 2023. Collection method: clinical testing. Allele origin: germline.
Comment: The p.T333N variant (also known as c.998C>A), located in coding exon 9 of the BRCA1 gene, results from a C to A substitution at nucleotide position 998. The threonine at codon 333 is replaced by asparagine, an amino acid with similar properties. This amino acid position is conserved. In addition, the in silico prediction for this alteration is inconclusive. Since supporting evidence is limited at this time, the clinical significance of this alteration remains unclear.

NM_007294.4(BRCA1):c.998C>A (p.Thr333Asn)

Gene: BRCA1 (BRCA1 DNA repair associated; minus strand). Cytogenetic location: 17q21.31.
Variant type: single nucleotide variant.
Coding change: c.998C>A on transcript NM_007294.4 (MANE Select); coding-DNA position 998, C replaced by A.
Protein change: p.Thr333Asn; replaces threonine 333 with asparagine.
Molecular consequence: missense variant. On other transcripts: intron variant (137).
Genome position (GRCh38, 1-based): chr17:43,094,533, G>T on the plus strand (C>A on the coding strand, the complement: BRCA1 is on the minus strand). VCF-style: chr17-43094533-G-T. GRCh37 (hg19) VCF-style: chr17-41246550-G-T.
Other names: c.854C>A, p.Thr285Asn (NM_001407842.1, NM_001407843.1, NM_001407845.1 and 20 more transcripts); c.785C>A, p.Thr262Asn (NM_001407571.1, NM_001407853.1, NM_001407894.1 and 9 more transcripts); c.998C>A, p.Thr333Asn (NM_001407581.1, NM_001407582.1, NM_001407583.1 and 30 more transcripts); c.995C>A, p.Thr332Asn (NM_001407587.1, NM_001407590.1, NM_001407591.1 and 22 more transcripts); c.989C>A, p.Thr330Asn (NM_001407646.1, NM_001407647.1); c.875C>A, p.Thr292Asn (NM_001407648.1, NM_001407664.1, NM_001407665.1 and 19 more transcripts); c.872C>A, p.Thr291Asn (NM_001407649.1, NM_001407670.1, NM_001407671.1 and 11 more transcripts); c.920C>A, p.Thr307Asn (NM_001407653.1, NM_001407654.1, NM_001407655.1 and 4 more transcripts); and 40 more; short protein forms T205N, T263N, T330N, T165N, T206N, T222N, T286N, T291N.
Identifiers: ClinVar variation 2565360 (VCV002565360.2), dbSNP rs431825420, ClinGen allele CA10600064.
Genomic context (GRCh38, chr17:43,094,533, plus strand): 5'-CATTCTTTTCTCTCACACAGGGGATCAGCATTCAGATCTACCTTTTTTTCTGTGCTGGGA[G>T]TCCGCCTATCATTACATGTTTCCTTACTTCCAGCCCATCTGTTATGTTGGCTCCTTGCTA-3'
Protein context (NP_009225.1, residues 323-343): GSKETCNDRR[Thr333Asn]PSTEKKVDLN